The following is an entry in ClinVar:

ClinVar aggregate classification (germline): Pathogenic (1 of 4 stars; one submission).

Submission:

Labcorp Genetics (formerly Invitae), Labcorp
Classification: Pathogenic. Last evaluated: 2023-07-17. Review status: criteria provided, single submitter. Criteria: Invitae Variant Classification Sherloc (09022015). Collection method: clinical testing. Allele origin: germline.
Comment: This sequence change creates a premature translational stop signal (p.Arg10Leufs*45) in the FH gene. FH has two initiator codons, p.Met1 and p.Met44, which result in two different functional isoforms that localize to the mitochondria and cytosol, respectively (PMID: 21929734, 27037871). Loss-of-function variants in FH are known to be pathogenic (PMID: 11865300, 21398687). Variants affecting the mitochondrial isoform confer risk for fumarate hydratase deficiency, while variants that affect the cytosolic isoform confer risk for hereditary leiomyomatosis and renal cell cancer. This variant is not present in population databases (gnomAD no frequency). This variant has not been reported in the literature in individuals affected with FH-related conditions. This variant disrupts the mitochondria-targeting sequence (MTS) of the FH protein, which is important for protein import into the mitochondria (PMID: 27037871). This suggests that disruption of this region is causative of fumarate hydratase deficiency. For these reasons, this variant has been classified as Pathogenic for autosomal recessive fumarate hydratase deficiency. However, this variant is not likely to confer risk for autosomal dominant hereditary leiomyomatosis and renal cell cancer.

Literature cited by the submitters: PubMed 21929734; PubMed 27037871; PubMed 11865300; PubMed 21398687.

NM_000143.4(FH):c.29_30del (p.Arg10fs)

Gene: FH (fumarate hydratase; minus strand). Cytogenetic location: 1q43.
Variant type: Microsatellite.
Coding change: c.29_30del on transcript NM_000143.4 (MANE Select); coding-DNA positions 29 to 30, 2 bases deleted (GC; older notation c.29_30delGC).
Protein change: p.Arg10fs; shifts the reading frame from arginine 10.
Molecular consequence: frameshift variant.
Genome position (GRCh38, 1-based): chr1:241,519,693-241,519,694, GC deleted on the plus strand (GC on the coding strand, the reverse complement: FH is on the minus strand); deleting any 2 consecutive bases within chr1:241,519,693-241,519,699 gives the same sequence; the c. name uses the placement nearest the transcript's 3' end. VCF-style (leftmost placement, unchanged base first): chr1-241519692-AGC-A. GRCh37 (hg19) VCF-style: chr1-241682992-AGC-A.
Other names: short protein forms R10fs.
Identifiers: ClinVar variation 1453174 (VCV001453174.6), dbSNP rs2147927054, ClinGen allele CA2580611576.